The following is an entry in ClinVar:

ClinVar aggregate classification (germline): Likely pathogenic (1 of 4 stars; one submission).

Conditions:
Phenylketonuria (PKU). Also called: FOLLING DISEASE; OLIGOPHRENIA PHENYLPYRUVICA; Phenylketonurias; Phenylketonuria (PKU). Identifiers: Orphanet 716, MedGen C0031485, MONDO:0009861, OMIM 261600. Disease mechanism: loss of function.

gnomAD v4.1: 2 of 1,613,856 alleles (0.00012%); highest among the groups gnomAD compares: Non-Finnish European, 0.000085%; no homozygotes.

Submission:

Myriad Genetics, Inc.
Classification: Likely pathogenic for Phenylketonuria. Last evaluated: 2026-04-14. Review status: criteria provided, single submitter. Criteria: Myriad Autosomal Dominant, Autosomal Recessive and X-Linked Classification Criteria (2023). Collection method: clinical testing. Allele origin: unknown.
Comment: NM_000277.1(PAH):c.1107G>A(aka L369=) is a silent variant classified as likely pathogenic in the context of phenylalanine hydroxylase deficiency. L369= has been observed in cases with relevant disease (PMID: 32668217). Relevant functional assessments of this variant are not available in the literature. L369= has not been observed in referenced population frequency databases. In summary, NM_000277.1(PAH):c.1107G>A(aka L369=) is a silent variant that has been observed more frequently in cases with the relevant disease than in healthy populations. Please note: this variant was assessed in the context of healthy population screening.

Literature cited by the submitters: PubMed 32668217.

NM_000277.3(PAH):c.1107G>A (p.Leu369=)

Gene: PAH (phenylalanine hydroxylase; minus strand). Cytogenetic location: 12q23.2.
Variant type: single nucleotide variant.
Coding change: c.1107G>A on transcript NM_000277.3 (MANE Select); coding-DNA position 1107, G replaced by A.
Protein change: p.Leu369=; no amino-acid change (leucine 369 retained).
Molecular consequence: synonymous variant.
Genome position (GRCh38, 1-based): chr12:102,843,738, C>T on the plus strand (G>A on the coding strand, the complement: PAH is on the minus strand). VCF-style: chr12-102843738-C-T. GRCh37 (hg19) VCF-style: chr12-103237516-C-T.
Other names: c.1107G>A, p.Leu369= (NM_001354304.2).
Identifiers: ClinVar variation 5004895 (VCV005004895.1).